The following is an entry in ClinVar:

ClinVar aggregate classification (germline): Uncertain significance (1 of 4 stars; one submission).

Conditions:
TNNT3-related disorder. Also called: TNNT3-related condition.

Allele frequency attached by ClinVar (database versions not stated): TOPMed below 0.00001.

Submission:

PreventionGenetics, part of Exact Sciences
Classification: Uncertain significance for TNNT3-related condition. Last evaluated: 2023-07-27. Review status: criteria provided, single submitter. Criteria: ACMG Guidelines, 2015. Collection method: clinical testing. Allele origin: germline.
Comment: The TNNT3 c.508A>G variant is predicted to result in the amino acid substitution p.Thr170Ala. To our knowledge, this variant has not been reported in the literature or in a large population database, indicating this variant is rare. At this time, the clinical significance of this variant is uncertain due to the absence of conclusive functional and genetic evidence.

NM_006757.4(TNNT3):c.508A>G (p.Thr170Ala)

Gene: TNNT3 (troponin T3, fast skeletal type; plus strand). Cytogenetic location: 11p15.5.
Variant type: single nucleotide variant.
Coding change: c.508A>G on transcript NM_006757.4 (MANE Select); coding-DNA position 508, A replaced by G.
Protein change: p.Thr170Ala; replaces threonine 170 with alanine.
Molecular consequence: missense variant.
Genome position (GRCh38, 1-based): chr11:1,934,573, A>G. VCF-style: chr11-1934573-A-G. GRCh37 (hg19) VCF-style: chr11-1955803-A-G.
Other names: c.484A>G, p.Thr162Ala (NM_001042780.3, NM_001042782.3, NM_001297646.2 and 2 more transcripts); c.502A>G, p.Thr168Ala (NM_001042781.3, NM_001367842.1, NM_001367843.1); c.517A>G, p.Thr173Ala (NM_001363561.2, NM_001367847.1); c.541A>G, p.Thr181Ala (NM_001367846.1); c.505A>G, p.Thr169Ala (NM_001367848.1); c.496A>G, p.Thr166Ala (NM_001367849.1); c.451A>G, p.Thr151Ala (NM_001367850.1); c.304A>G, p.Thr102Ala (NM_001367851.1, NM_001367852.1); short protein forms T102A, T151A, T162A, T166A, T168A, T169A, T170A, T173A.
Identifiers: ClinVar variation 2631313 (VCV002631313.1), dbSNP rs1854400472, ClinGen allele CA379098573.